The following is an entry in ClinVar:

ClinVar aggregate classification (germline): Pathogenic/Likely pathogenic. Review status: criteria provided, multiple submitters, no conflicts (2 of 4 stars). 5 submissions from 5 submitters: Pathogenic (3); Likely pathogenic (1). 1 of the submissions does not count toward it. Last evaluated 2026-04-15.

Conditions:
Retinitis pigmentosa 26 (RP26). Identifiers: Orphanet 791, MedGen C1842127, MONDO:0012024, OMIM 608380.
Retinitis pigmentosa (RP). Identifiers: Orphanet 791, MedGen C0035334, MeSH D012174, MONDO:0019200, OMIM 268000. Inheritance: Autosomal dominant, autosomal recessive and X linked inheritance.

Submissions (5):

Myriad Genetics, Inc.
Classification: Pathogenic for Retinitis pigmentosa 26. Last evaluated: 2026-04-15. Review status: criteria provided, single submitter. Criteria: Myriad Autosomal Dominant, Autosomal Recessive and X-Linked Classification Criteria (2023). Collection method: clinical testing. Allele origin: unknown.
Comment: NM_001030311.2(CERKL):c.450_451delAT(I150Mfs*3) is a frameshift variant classified as pathogenic in the context of retinitis pigmentosa, CERKL-related. I150Mfs*3 has been observed in a case with relevant disease (PMID: 30851774). Relevant functional assessments of this variant are not available in the literature. I150Mfs*3 has not been observed in referenced population frequency databases. In summary, NM_001030311.2(CERKL):c.450_451delAT(I150Mfs*3) is a frameshift variant in a gene where loss of function is a known mechanism of disease, is predicted to disrupt protein function, and has been observed more frequently in cases with the relevant disease than in healthy populations. Please note: this variant was assessed in the context of healthy population screening.

Natera, Inc.
Classification: Likely pathogenic for Retinitis Pigmentosa 26. Last evaluated: 2025-05-27. Review status: criteria provided, single submitter. Criteria: Natera Variant Classification Schema (03/2026). Collection method: clinical testing. Allele origin: germline.
Comment: The c.450_451delAT variant in CERKL is a frameshift variant predicted to shift the reading frame beginning at codon 150 and leads to a stop codon 3 codons downstream. This variant is expected to result in nonsense mediated decay, truncation, or a dysfunctional protein product. This variant is rare in the general population with a frequency below the threshold expected for the associated phenotype(s). Given the available evidence, this variant is classified as Likely Pathogenic.

Fulgent Genetics
Classification: Pathogenic for Retinitis pigmentosa 26. Last evaluated: 2024-04-09. Review status: criteria provided, single submitter. Criteria: ACMG Guidelines, 2015. Collection method: clinical testing. Allele origin: germline.

Labcorp Genetics (formerly Invitae), Labcorp
Classification: Pathogenic. Last evaluated: 2021-08-24. Review status: criteria provided, single submitter. Criteria: Invitae Variant Classification Sherloc (09022015). Collection method: clinical testing. Allele origin: germline.
Comment: This sequence change creates a premature translational stop signal (p.Ile150Metfs*3) in the CERKL gene. It is expected to result in an absent or disrupted protein product. Loss-of-function variants in CERKL are known to be pathogenic (PMID: 14681825, 24043777). This variant is not present in population databases (ExAC no frequency). This premature translational stop signal has been observed in individual(s) with CERKL-related conditions (PMID: 30851774). ClinVar contains an entry for this variant (Variation ID: 812265). For these reasons, this variant has been classified as Pathogenic.

Sharon lab, Hadassah-Hebrew University Medical Center
Classification: Pathogenic for Retinitis pigmentosa. Last evaluated: 2019-06-23. Review status: no assertion criteria provided. Collection method: research. Allele origin: inherited. Affected: yes. Not counted in ClinVar's aggregate classification.

Literature cited by the submitters: PubMed 30851774 (cited by Myriad Genetics, Inc. and Labcorp Genetics (formerly Invitae), Labcorp); PubMed 14681825 (cited by Labcorp Genetics (formerly Invitae), Labcorp); PubMed 24043777 (cited by Labcorp Genetics (formerly Invitae), Labcorp).

NM_201548.5(CERKL):c.450_451del (p.Ile150fs)

Gene: CERKL (CERK like autophagy regulator; minus strand). Cytogenetic location: 2q31.3.
Variant type: Microsatellite.
Coding change: c.450_451del on transcript NM_201548.5 (MANE Select); coding-DNA positions 450 to 451, 2 bases deleted (AT; older notation c.450_451delAT).
Protein change: p.Ile150fs; shifts the reading frame from isoleucine 150.
Molecular consequence: frameshift variant. On other transcripts: non-coding transcript variant (2).
Genome position (GRCh38, 1-based): chr2:181,603,867-181,603,868, AT deleted on the plus strand (AT on the coding strand, the reverse complement: CERKL is on the minus strand); deleting any 2 consecutive bases within chr2:181,603,867-181,603,870 gives the same sequence; the c. name uses the placement nearest the transcript's 3' end. VCF-style (leftmost placement, unchanged base first): chr2-181603866-CAT-C. GRCh37 (hg19) VCF-style: chr2-182468593-CAT-C.
Other names: c.450_451del, p.Ile150fs (NM_001030311.3, NM_001030312.3, NM_001030313.3 and 1 more transcripts); c.450_451delAT (NM_001030311.2); c.450_451del (NM_001030311.2); short protein forms I150fs.
Identifiers: ClinVar variation 812265 (VCV000812265.11), dbSNP rs1574489337, ClinGen allele CA915942289.